The following is an entry in ClinVar:

NM_002691.4(POLD1):c.2048G>A (p.Arg683His)

Gene: POLD1 (DNA polymerase delta 1, catalytic subunit; plus strand). Cytogenetic location: 19q13.33.
Variant type: single nucleotide variant.
Coding change: c.2048G>A on transcript NM_002691.4 (MANE Select); coding-DNA position 2048, G replaced by A.
Protein change: p.Arg683His; replaces arginine 683 with histidine.
Molecular consequence: missense variant. On other transcripts: non-coding transcript variant (1).
Genome position (GRCh38, 1-based): chr19:50,409,560, G>A. VCF-style: chr19-50409560-G-A. GRCh37 (hg19) VCF-style: chr19-50912817-G-A.
Other names: c.2048G>A, p.Arg683His (NM_001256849.1); c.2126G>A, p.Arg709His (NM_001308632.1); c.2048G>A (NM_002691.2); short protein forms R683H, R709H.
Identifiers: ClinVar variation 569557 (VCV000569557.13), dbSNP rs754913337, ClinGen allele CA309602106.

ClinVar aggregate classification (germline): Uncertain significance. Review status: criteria provided, multiple submitters, no conflicts (2 of 4 stars). 4 submissions from 4 submitters: Uncertain significance (4). Last evaluated 2026-01-26.

Conditions:
Hereditary cancer-predisposing syndrome. Also called: Tumor predisposition; Neoplastic Syndromes, Hereditary; Hereditary Cancer Syndrome; Hereditary neoplastic syndrome. Identifiers: Orphanet 140162, MedGen C0027672, MeSH D009386, MONDO:0015356.
POLD1-related polyposis and colorectal cancer syndrome (CRCS10). Also called: Colorectal cancer 10; COLORECTAL CANCER, SUSCEPTIBILITY TO, ON CHROMOSOME 19q; Colorectal cancer, susceptibility to, 10. Identifiers: Orphanet 220460, MedGen C2675481, MONDO:0012953, OMIM 612591.

Allele frequency attached by ClinVar (database versions not stated): TOPMed 0.00001.
gnomAD v4.1: 3 of 1,613,508 alleles (0.00019%); highest among the groups gnomAD compares: Non-Finnish European, 0.00025%; no homozygotes.

Submissions (4):

Labcorp Genetics (formerly Invitae), Labcorp
Classification: Uncertain significance for POLD1-related polyposis and colorectal cancer syndrome. Last evaluated: 2026-01-26. Review status: criteria provided, single submitter. Criteria: Invitae Variant Classification Sherloc (09022015). Collection method: clinical testing. Allele origin: germline.
Comment: This sequence change replaces arginine, which is basic and polar, with histidine, which is basic and polar, at codon 683 of the POLD1 protein (p.Arg683His). This variant is not present in population databases (gnomAD no frequency). This variant has not been reported in the literature in individuals affected with POLD1-related conditions. ClinVar contains an entry for this variant (Variation ID: 569557). Invitae Evidence Modeling of protein sequence and biophysical properties (such as structural, functional, and spatial information, amino acid conservation, physicochemical variation, residue mobility, and thermodynamic stability) indicates that this missense variant is not expected to disrupt POLD1 protein function with a negative predictive value of 80%. In summary, the available evidence is currently insufficient to determine the role of this variant in disease. Therefore, it has been classified as a Variant of Uncertain Significance.

Ambry Genetics
Classification: Uncertain significance for Hereditary cancer-predisposing syndrome. Last evaluated: 2024-11-08. Review status: criteria provided, single submitter. Criteria: Ambry Variant Classification Scheme 2023. Collection method: clinical testing. Allele origin: germline.
Comment: The p.R683H variant (also known as c.2048G>A), located in coding exon 16 of the POLD1 gene, results from a G to A substitution at nucleotide position 2048. The arginine at codon 683 is replaced by histidine, an amino acid with highly similar properties. This amino acid position is well conserved in available vertebrate species. In addition, this alteration is predicted to be tolerated by in silico analysis. Based on the available evidence, the clinical significance of this variant remains unclear.

GeneDx
Classification: Uncertain significance. Last evaluated: 2019-05-23. Review status: criteria provided, single submitter. Criteria: GeneDx Variant Classification Process June 2021. Collection method: clinical testing. Allele origin: germline. Affected: yes.
Comment: Not observed at a significant frequency in large population cohorts (Lek et al., 2016); Has not been previously published as pathogenic or benign to our knowledge; This variant is associated with the following publications: (PMID: 32041611)

Quest Diagnostics Nichols Institute San Juan Capistrano
Classification: Uncertain significance. Last evaluated: 2018-01-04. Review status: criteria provided, single submitter. Criteria: Quest Diagnostics criteria. Collection method: clinical testing. Allele origin: germline.